The following is an entry in ClinVar:

NM_001130438.3(SPTAN1):c.7234GAG[1] (p.Glu2413del)

Gene: SPTAN1 (spectrin alpha, non-erythrocytic 1; plus strand). Cytogenetic location: 9q34.11.
Variant type: Microsatellite.
Coding change: c.7234GAG[1] on transcript NM_001130438.3 (MANE Select); one copy of the 3-base unit GAG starting at c.7234; the reference has two copies in a row; one copy, 3 bases deleted; also written c.7237_7239del.
Protein change: p.Glu2413del; deletes glutamic acid 2413.
Molecular consequence: inframe deletion.
Genome position (GRCh38, 1-based): chr9:128,632,884-128,632,886, GAG deleted; deleting any 3 consecutive bases within chr9:128,632,881-128,632,886 gives the same sequence; the position shown is the placement nearest the transcript's 3' end. VCF-style (leftmost placement, unchanged base first): chr9-128632880-CGAG-C. GRCh37 (hg19) VCF-style: chr9-131395159-CGAG-C.
Other names: c.7159GAG[1], p.Glu2388del (NM_001195532.2); c.7297GAG[1], p.Glu2434del (NM_001363759.2); c.7174GAG[1], p.Glu2393del (NM_001363765.2, NM_001375314.2); c.7321GAG[1], p.Glu2442del (NM_001375310.1); c.7234GAG[1], p.Glu2413del (NM_001375311.2); c.7270GAG[1], p.Glu2425del (NM_001375312.2, NM_001438440.1); c.7216GAG[1], p.Glu2407del (NM_001375313.1); c.7333GAG[1], p.Glu2446del (NM_001375318.1); and 7 more; short protein forms E2382del, E2387del, E2388del, E2393del, E2402del, E2407del, E2408del, E2409del.
Identifiers: ClinVar variation 4292990 (VCV004292990.2).
Genomic context (GRCh38, chr9:128,632,880, plus strand): 5'-CTCCTTGCAAGAATACATGGCTTTCATGATCAGCCGCGAAACTGAGAACGTCAAGTCCAG[CGAG>C]GAGATTGAGAGCGCCTTCCGGGCCCTCAGCTCAGAGGGAAAGCCTTACGTGACCAAGGAG-3'

ClinVar aggregate classification (germline): Uncertain significance. Review status: criteria provided, multiple submitters, no conflicts (2 of 4 stars). 2 submissions from 2 submitters: Uncertain significance (2). Last evaluated 2025-05-13.

Conditions:
Developmental and epileptic encephalopathy, 5 (DEE5). Identifiers: Orphanet 3451, MedGen C3150731, MONDO:0013277, OMIM 613477.

Submissions (2):

GeneDx
Classification: Uncertain significance. Last evaluated: 2025-05-13. Review status: criteria provided, single submitter. Criteria: GeneDx Variant Classification Process June 2021. Collection method: clinical testing. Allele origin: germline. Affected: yes.
Comment: Not observed at significant frequency in large population cohorts (gnomAD); In-frame deletion of 1 amino acid in a non-repeat region; In silico analysis supports a deleterious effect on protein structure/function; Has not been previously published as pathogenic or benign to our knowledge

3billion
Classification: Uncertain significance for Developmental and epileptic encephalopathy, 5. Last evaluated: 2025-01-17. Review status: criteria provided, single submitter. Criteria: ACMG Guidelines, 2015. Collection method: clinical testing. Allele origin: germline. Affected: yes.
Comment: The variant is not observed in the gnomAD v4.1.0 dataset. Predicted Consequence/Location: Inframe deletion located in a nonrepeat region: predicted to change the length of the protein and disrupt normal protein function. Therefore, this variant is classified as VUS according to the recommendation of ACMG/AMP guideline.